The following is an entry in ClinVar:

ClinVar aggregate classification (germline): Uncertain significance (1 of 4 stars; one submission).

Conditions:
Hyperkalemic periodic paralysis. Also called: Familial hyperkalemic periodic paralysis; Gamstorp disease. Identifiers: Orphanet 682, MedGen C0238357, MONDO:0008224, OMIM 170500, HP:0007215.

Submission:

Labcorp Genetics (formerly Invitae), Labcorp
Classification: Uncertain significance for Hyperkalemic periodic paralysis. Last evaluated: 2022-04-12. Review status: criteria provided, single submitter. Criteria: Invitae Variant Classification Sherloc (09022015). Collection method: clinical testing. Allele origin: germline.
Comment: This sequence change replaces proline, which is neutral and non-polar, with leucine, which is neutral and non-polar, at codon 977 of the SCN4A protein (p.Pro977Leu). This variant is not present in population databases (gnomAD no frequency). This variant has not been reported in the literature in individuals affected with SCN4A-related conditions. Algorithms developed to predict the effect of missense changes on protein structure and function are either unavailable or do not agree on the potential impact of this missense change (SIFT: "Deleterious"; PolyPhen-2: "Benign"; Align-GVGD: "Class C0"). In summary, the available evidence is currently insufficient to determine the role of this variant in disease. Therefore, it has been classified as a Variant of Uncertain Significance.

NM_000334.4(SCN4A):c.2930C>T (p.Pro977Leu)

Genes: SCN4A (sodium voltage-gated channel alpha subunit 4; minus strand), GH-LCR (growth hormone locus control region; plus strand). Cytogenetic location: 17q23.3.
Variant type: single nucleotide variant.
Coding change: c.2930C>T on transcript NM_000334.4 (MANE Select); coding-DNA position 2930, C replaced by T.
Protein change: p.Pro977Leu; replaces proline 977 with leucine.
Molecular consequence: missense variant.
Genome position (GRCh38, 1-based): chr17:63,949,452, G>A on the plus strand (C>T on the coding strand, the complement: SCN4A is on the minus strand). VCF-style: chr17-63949452-G-A. GRCh37 (hg19) VCF-style: chr17-62026812-G-A.
Other names: short protein forms P977L.
Identifiers: ClinVar variation 2121140 (VCV002121140.4), dbSNP rs2509297098, ClinGen allele CA400622302.